The following is an entry in ClinVar:

NM_004606.5(TAF1):c.2653C>G (p.Gln885Glu)

Gene: TAF1 (TATA-box binding protein associated factor 1; plus strand). Cytogenetic location: Xq13.1.
Variant type: single nucleotide variant.
Coding change: c.2653C>G on transcript NM_004606.5 (MANE Select); coding-DNA position 2653, C replaced by G.
Protein change: p.Gln885Glu; replaces glutamine 885 with glutamic acid.
Molecular consequence: missense variant. On other transcripts: non-coding transcript variant (9).
Genome position (GRCh38, 1-based): chrX:71,388,821, C>G. VCF-style: chrX-71388821-C-G. GRCh37 (hg19) VCF-style: chrX-70608671-C-G.
Other names: c.2653C>G, p.Gln885Glu (NM_001286074.2); c.2590C>G, p.Gln864Glu (NM_138923.4); short protein forms Q864E, Q885E.
Identifiers: ClinVar variation 3364276 (VCV003364276.1).
Genomic context (GRCh38, chrX:71,388,821, plus strand): 5'-CTTAAGTCTGATTTTCGTTTACCAACGGAAGAAGAGATCAGAGCTATGGTGTCACCAGAG[C>G]AGTGCTGTGCTTATTATAGCATGATAGCTGCAGAGCAACGACTGAAGGTGAACACCTTCC-3'
Protein context (NP_004597.3, residues 875-895): EEIRAMVSPE[Gln885Glu]CCAYYSMIAA

ClinVar aggregate classification (germline): Uncertain significance (1 of 4 stars; one submission).

Submission:

GeneDx
Classification: Uncertain significance. Last evaluated: 2023-11-13. Review status: criteria provided, single submitter. Criteria: GeneDx Variant Classification Process June 2021. Collection method: clinical testing. Allele origin: germline. Affected: yes.
Comment: Not observed at significant frequency in large population cohorts (gnomAD); In silico analysis supports that this missense variant has a deleterious effect on protein structure/function; Has not been previously published as pathogenic or benign to our knowledge